The following is an entry in ClinVar:

ClinVar aggregate classification (germline): Pathogenic (1 of 4 stars; one submission).

Conditions:
Primary ciliary dyskinesia. Also called: Ciliary dyskinesia. Identifiers: Orphanet 244, MedGen C0008780, MONDO:0016575, HP:0012265.

Submission:

Labcorp Genetics (formerly Invitae), Labcorp
Classification: Pathogenic for Primary ciliary dyskinesia. Last evaluated: 2023-09-05. Review status: criteria provided, single submitter. Criteria: Invitae Variant Classification Sherloc (09022015). Collection method: clinical testing. Allele origin: unknown.
Comment: A gross deletion of the genomic region encompassing the full coding sequence of the DNAI2 gene has been identified. Loss-of-function variants in DNAI2 are known to be pathogenic (PMID: 18950741, 23891469). The boundaries of this event are unknown as they extend beyond the assayed region for this gene and therefore may encompass additional genes. This variant has not been reported in the literature in individuals affected with DNAI2-related conditions. For these reasons, this variant has been classified as Pathogenic.

Literature cited by the submitters: PubMed 18950741; PubMed 23891469.

NC_000017.10:g.(?_72277957)_(72310355_?)del

Gene: DNAI2 (dynein axonemal intermediate chain 2; plus strand). Cytogenetic location: 17q25.1.
Variant type: Deletion.
Identifiers: ClinVar variation 3242824 (VCV003242824.1).